The following is an entry in ClinVar:

ClinVar aggregate classification (germline): Pathogenic (1 of 4 stars; one submission).

gnomAD v4.1: 6 of 1,613,474 alleles (0.00037%); highest among the groups gnomAD compares: Admixed American, 0.0017%; no homozygotes.

Submission:

GeneDx
Classification: Pathogenic. Last evaluated: 2024-09-25. Review status: criteria provided, single submitter. Criteria: GeneDx Variant Classification Process June 2021. Collection method: clinical testing. Allele origin: germline. Affected: yes.
Comment: Canonical splice site variant predicted to result in a null allele in a gene for which loss of function is a known mechanism of disease; Not observed at significant frequency in large population cohorts (gnomAD); This variant is associated with the following publications: (PMID: 33255508, 33916893, 34268881, 30853297)

NM_016373.4(WWOX):c.517-2A>G

Gene: WWOX (WW domain containing oxidoreductase; plus strand). Cytogenetic location: 16q23.1.
Variant type: single nucleotide variant.
Coding change: c.517-2A>G on transcript NM_016373.4 (MANE Select); the canonical splice acceptor site of the intron before coding-DNA position 517, A replaced by G.
Molecular consequence: splice acceptor variant.
Genome position (GRCh38, 1-based): chr16:78,386,858, A>G. VCF-style: chr16-78386858-A-G. GRCh37 (hg19) VCF-style: chr16-78420755-A-G.
Other names: c.178-2A>G (NM_001291997.2).
Identifiers: ClinVar variation 3774965 (VCV003774965.1).